The following is an entry in ClinVar:

NR_027350.2(MIR17HG):n.2131C>T

Gene: MIR17HG (miR-17-92a-1 cluster host gene; plus strand). Cytogenetic location: 13q31.3.
Variant type: single nucleotide variant.
Genome position: GRCh38 VCF-style: chr13-91351555-C-T. GRCh37 (hg19) VCF-style: chr13-92003809-C-T.
Identifiers: ClinVar variation 3059111 (VCV003059111.2), dbSNP rs139418718, ClinGen allele CA254717600.

ClinVar aggregate classification (germline): Likely benign (0 of 4 stars; one submission).

Conditions:
MIR17HG-related disorder. Also called: MIR17HG-related condition.

Allele frequency attached by ClinVar (database versions not stated): gnomAD 0.00011; TOPMed 0.00013; gnomAD exomes 0.00016; 1000 Genomes Project 30x 0.00062; 1000 Genomes Project 0.00080.
gnomAD v4.1: 45 of 327,012 alleles (0.014%); highest among the groups gnomAD compares: East Asian, 0.22%; no homozygotes.

Submission:

PreventionGenetics, part of Exact Sciences
Classification: Likely benign for MIR17HG-related condition. Last evaluated: 2019-04-16. Review status: no assertion criteria provided. Collection method: clinical testing. Allele origin: germline.
Comment: This variant is classified as likely benign based on ACMG/AMP sequence variant interpretation guidelines (Richards et al. 2015 PMID: 25741868, with internal and published modifications).